The following is an entry in ClinVar:

ClinVar aggregate classification (germline): Uncertain significance. Review status: criteria provided, multiple submitters, no conflicts (2 of 4 stars). 2 submissions from 2 submitters: Uncertain significance (2). Last evaluated 2025-08-11.

Conditions:
DK1-congenital disorder of glycosylation. Also called: DK1-CDG; CONGENITAL DISORDER OF GLYCOSYLATION, TYPE Im; CDG Im; DK1 DEFICIENCY; DOLICHOL KINASE DEFICIENCY; DOLK-congenital disorder of glycosylation. Identifiers: Orphanet 91131, MedGen C1835849, MONDO:0012556, OMIM 610768.
Cardiovascular phenotype. Identifiers: MedGen CN230736.

Allele frequency attached by ClinVar (database versions not stated): gnomAD exomes below 0.00001; TOPMed 0.00001.

Submissions (2):

Ambry Genetics
Classification: Uncertain significance for Cardiovascular phenotype. Last evaluated: 2025-08-11. Review status: criteria provided, single submitter. Criteria: Ambry Variant Classification Scheme 2023. Collection method: clinical testing. Allele origin: germline.

Labcorp Genetics (formerly Invitae), Labcorp
Classification: Uncertain significance for DK1-congenital disorder of glycosylation. Last evaluated: 2022-08-02. Review status: criteria provided, single submitter. Criteria: Invitae Variant Classification Sherloc (09022015). Collection method: clinical testing. Allele origin: germline.
Comment: In summary, the available evidence is currently insufficient to determine the role of this variant in disease. Therefore, it has been classified as a Variant of Uncertain Significance. Algorithms developed to predict the effect of missense changes on protein structure and function (SIFT, PolyPhen-2, Align-GVGD) all suggest that this variant is likely to be disruptive. This variant has not been reported in the literature in individuals affected with DOLK-related conditions. This variant is not present in population databases (gnomAD no frequency). This sequence change replaces valine, which is neutral and non-polar, with alanine, which is neutral and non-polar, at codon 361 of the DOLK protein (p.Val361Ala).

NM_014908.4(DOLK):c.1082T>C (p.Val361Ala)

Gene: DOLK (dolichol kinase; minus strand). Cytogenetic location: 9q34.11.
Variant type: single nucleotide variant.
Coding change: c.1082T>C on transcript NM_014908.4 (MANE Select); coding-DNA position 1082, T replaced by C.
Protein change: p.Val361Ala; replaces valine 361 with alanine.
Molecular consequence: missense variant.
Genome position (GRCh38, 1-based): chr9:128,946,222, A>G on the plus strand (T>C on the coding strand, the complement: DOLK is on the minus strand). VCF-style: chr9-128946222-A-G. GRCh37 (hg19) VCF-style: chr9-131708501-A-G.
Other names: short protein forms V361A.
Identifiers: ClinVar variation 2176725 (VCV002176725.3), dbSNP rs1404841774, ClinGen allele CA375120242.